The following is an entry in ClinVar:

NM_000553.6(WRN):c.3143G>A (p.Arg1048Lys)

Gene: WRN (WRN RecQ like helicase; plus strand). Cytogenetic location: 8p12.
Variant type: single nucleotide variant.
Coding change: c.3143G>A on transcript NM_000553.6 (MANE Select); coding-DNA position 3143, G replaced by A.
Protein change: p.Arg1048Lys; replaces arginine 1048 with lysine.
Molecular consequence: missense variant.
Genome position (GRCh38, 1-based): chr8:31,141,685, G>A. VCF-style: chr8-31141685-G-A. GRCh37 (hg19) VCF-style: chr8-30999201-G-A.
Other names: short protein forms R1048K.
Identifiers: ClinVar variation 2157426 (VCV002157426.4), dbSNP rs2130417043, ClinGen allele CA370922802.
Genomic context (GRCh38, chr8:31,141,685, plus strand): 5'-TTTGACTTAATTTTGTTTCCCACTCCACATTAAAAGATCCTTTTTGCTTTTAATAGGGTA[G>A]AAATTGGCTTCATAAAGCTAATACAGAATCTCAGAGCCTCATCCTTCAAGCTAATGAAGA-3'
Protein context (NP_000544.2, residues 1038-1058): MKICALTKKG[Arg1048Lys]NWLHKANTES

ClinVar aggregate classification (germline): Uncertain significance (1 of 4 stars; one submission).

Conditions:
Werner syndrome (WRN). Identifiers: Orphanet 902, MedGen C0043119, MONDO:0010196, OMIM 277700.

Submission:

Labcorp Genetics (formerly Invitae), Labcorp
Classification: Uncertain significance for Werner syndrome. Last evaluated: 2022-07-30. Review status: criteria provided, single submitter. Criteria: Invitae Variant Classification Sherloc (09022015). Collection method: clinical testing. Allele origin: germline.
Comment: This sequence change replaces arginine, which is basic and polar, with lysine, which is basic and polar, at codon 1048 of the WRN protein (p.Arg1048Lys). This variant is not present in population databases (gnomAD no frequency). This variant has not been reported in the literature in individuals affected with WRN-related conditions. Algorithms developed to predict the effect of missense changes on protein structure and function are either unavailable or do not agree on the potential impact of this missense change (SIFT: "Not Available"; PolyPhen-2: "Benign"; Align-GVGD: "Not Available"). Algorithms developed to predict the effect of sequence changes on RNA splicing suggest that this variant may disrupt the consensus splice site. In summary, the available evidence is currently insufficient to determine the role of this variant in disease. Therefore, it has been classified as a Variant of Uncertain Significance.